The following is an entry in ClinVar:

ClinVar aggregate classification (germline): Benign/Likely benign. Review status: criteria provided, multiple submitters, no conflicts (2 of 4 stars). 3 submissions from 3 submitters: Benign (1); Likely benign (2). Last evaluated 2025-12-03.

Conditions:
DYNC2LI1-related disorder. Also called: DYNC2LI1-related condition.

Allele frequency attached by ClinVar (database versions not stated): gnomAD exomes 0.00013 and 0.00047; gnomAD 0.00014 and 0.00017; TOPMed 0.00026; ExAC 0.00050; 1000 Genomes Project 0.00120; 1000 Genomes Project 30x 0.00141.
gnomAD v4.1: 211 of 1,613,410 alleles (0.013%); highest among the groups gnomAD compares: East Asian, 0.46%; no homozygotes.

Submissions (3):

PreventionGenetics, part of Exact Sciences
Classification: Likely benign for DYNC2LI1-related condition. Last evaluated: 2025-12-03. Review status: criteria provided, single submitter. Criteria: ACMG Guidelines, 2015. Collection method: clinical testing. Allele origin: germline.
Comment: This variant is classified as likely benign based on ACMG/AMP sequence variant interpretation guidelines (Richards et al. 2015 PMID: 25741868, with internal and published modifications).

Labcorp Genetics (formerly Invitae), Labcorp
Classification: Benign. Last evaluated: 2024-12-02. Review status: criteria provided, single submitter. Criteria: Invitae Variant Classification Sherloc (09022015). Collection method: clinical testing. Allele origin: germline.

Blueprint Genetics
Classification: Likely benign. Last evaluated: 2024-10-30. Review status: criteria provided, single submitter. Criteria: ACMG Guidelines, 2015. Collection method: clinical testing. Allele origin: germline.

NM_016008.4(DYNC2LI1):c.546C>T (p.Val182=)

Gene: DYNC2LI1 (dynein cytoplasmic 2 light intermediate chain 1; plus strand). Cytogenetic location: 2p21.
Variant type: single nucleotide variant.
Coding change: c.546C>T on transcript NM_016008.4 (MANE Select); coding-DNA position 546, C replaced by T.
Protein change: p.Val182=; no amino-acid change (valine 182 retained).
Molecular consequence: synonymous variant.
Genome position (GRCh38, 1-based): chr2:43,795,928, C>T. VCF-style: chr2-43795928-C-T. GRCh37 (hg19) VCF-style: chr2-44023067-C-T.
Other names: c.549C>T, p.Val183= (NM_001193464.2, NM_001348913.2); c.546C>T, p.Val182= (NM_001348912.2).
Identifiers: ClinVar variation 753976 (VCV000753976.12), dbSNP rs182285500, ClinGen allele CA1635895.